The following is an entry in ClinVar:

ClinVar aggregate classification (germline): Conflicting classifications of pathogenicity. Review status: criteria provided, conflicting classifications (1 of 4 stars). 2 submissions from 2 submitters: Likely pathogenic (1); Uncertain significance (1). Last evaluated 2024-05-02.

Conditions:
Distal arthrogryposis. Identifiers: Orphanet 97120, MedGen C0265213, MONDO:0019942, HP:0005684.

Allele frequency attached by ClinVar (database versions not stated): gnomAD exomes below 0.00001.

Submissions (2):

GeneDx
Classification: Uncertain significance. Last evaluated: 2024-05-02. Review status: criteria provided, single submitter. Criteria: GeneDx Variant Classification Process June 2021. Collection method: clinical testing. Allele origin: germline. Affected: yes.
Comment: Not observed at significant frequency in large population cohorts (gnomAD); In silico analysis supports that this missense variant has a deleterious effect on protein structure/function; Has not been previously published as pathogenic or benign to our knowledge

Centre for Mendelian Genomics, University Medical Centre Ljubljana
Classification: Likely pathogenic for Distal arthrogryposis. Last evaluated: 2017-01-01. Review status: criteria provided, single submitter. Criteria: ACMG Guidelines, 2015. Collection method: clinical testing. Allele origin: unknown. Affected: yes.

NM_000540.3(RYR1):c.9850T>C (p.Trp3284Arg)

Gene: RYR1 (ryanodine receptor 1; plus strand). Cytogenetic location: 19q13.2.
Variant type: single nucleotide variant.
Coding change: c.9850T>C on transcript NM_000540.3 (MANE Select); coding-DNA position 9850, T replaced by C.
Protein change: p.Trp3284Arg; replaces tryptophan 3284 with arginine.
Molecular consequence: missense variant.
Genome position (GRCh38, 1-based): chr19:38,517,523, T>C. VCF-style: chr19-38517523-T-C. GRCh37 (hg19) VCF-style: chr19-39008163-T-C.
Other names: c.9850T>C, p.Trp3284Arg (NM_001042723.2); short protein forms W3284R.
Identifiers: ClinVar variation 523379 (VCV000523379.3), dbSNP rs1555788577, ClinGen allele CA405692345.